The following is an entry in ClinVar:

NM_001113378.2(FANCI):c.2646A>G (p.Leu882=)

Gene: FANCI (FA complementation group I; plus strand). Cytogenetic location: 15q26.1.
Variant type: single nucleotide variant.
Coding change: c.2646A>G on transcript NM_001113378.2 (MANE Select); coding-DNA position 2646, A replaced by G.
Protein change: p.Leu882=; no amino-acid change (leucine 882 retained).
Molecular consequence: synonymous variant.
Genome position (GRCh38, 1-based): chr15:89,299,809, A>G. VCF-style: chr15-89299809-A-G. GRCh37 (hg19) VCF-style: chr15-89843040-A-G.
Other names: c.2367A>G, p.Leu789= (NM_001376910.1); c.2646A>G, p.Leu882= (NM_001376911.1); c.2466A>G, p.Leu822= (NM_018193.3).
Identifiers: ClinVar variation 317287 (VCV000317287.42), dbSNP rs199627578, ClinGen allele CA7723426.

ClinVar aggregate classification (germline): Conflicting classifications of pathogenicity. Review status: criteria provided, conflicting classifications (1 of 4 stars). 6 submissions from 6 submitters: Uncertain significance (1); Likely benign (5). Last evaluated 2026-04-01.

Conditions:
Fanconi anemia (FA). Also called: Fanconi's anemia. Identifiers: Orphanet 84, MedGen C0015625, MeSH D005199, MONDO:0019391.
Fanconi anemia complementation group I (FANCI). Also called: FANCI-Related Fanconi Anemia. Identifiers: Orphanet 84, MedGen C1836861, MONDO:0012186, OMIM 609053.

Allele frequency attached by ClinVar (database versions not stated): gnomAD exomes 0.00008; ExAC 0.00009; gnomAD 0.00011 and 0.00012; TOPMed 0.00012.
gnomAD v4.1: 144 of 1,613,328 alleles (0.0089%); highest among the groups gnomAD compares: Non-Finnish European, 0.012%; 1 homozygote.

Submissions (6):

CeGaT Center for Human Genetics Tuebingen
Classification: Likely benign. Last evaluated: 2026-04-01. Review status: criteria provided, single submitter. Criteria: CeGaT Center For Human Genetics Tuebingen Variant Classification Criteria Version 2. Collection method: clinical testing. Allele origin: germline. Affected: yes. Observed: 3 variant alleles.
Comment: FANCI: BP4, BP7

Labcorp Genetics (formerly Invitae), Labcorp
Classification: Likely benign for Fanconi anemia. Last evaluated: 2026-01-19. Review status: criteria provided, single submitter. Criteria: Invitae Variant Classification Sherloc (09022015). Collection method: clinical testing. Allele origin: germline.

Laboratory of Genetics, Children's Clinical University Hospital Latvia
Classification: Likely benign. Last evaluated: 2025-02-16. Review status: criteria provided, single submitter. Criteria: ACMG Guidelines, 2015. Collection method: clinical testing. Allele origin: germline. Affected: yes.

Blueprint Genetics
Classification: Likely benign. Last evaluated: 2024-11-11. Review status: criteria provided, single submitter. Criteria: ACMG Guidelines, 2015. Collection method: clinical testing. Allele origin: germline.

Sema4
Classification: Likely benign for Fanconi anemia. Last evaluated: 2022-03-05. Review status: criteria provided, single submitter. Criteria: Sema4 Curation Guidelines. Collection method: curation. Allele origin: germline.

Illumina Laboratory Services, Illumina
Classification: Uncertain significance for Fanconi anemia complementation group I. Last evaluated: 2018-01-13. Review status: criteria provided, single submitter. Criteria: ICSL Variant Classification Criteria 13 December 2019. Collection method: clinical testing. Allele origin: germline.